The following is an entry in ClinVar:

NM_020964.3(EPG5):c.6224A>T (p.Lys2075Ile)

Gene: EPG5 (ectopic P-granules 5 autophagy tethering factor; minus strand). Cytogenetic location: 18q12.3.
Variant type: single nucleotide variant.
Coding change: c.6224A>T on transcript NM_020964.3 (MANE Select); coding-DNA position 6224, A replaced by T.
Protein change: p.Lys2075Ile; replaces lysine 2075 with isoleucine.
Molecular consequence: missense variant.
Genome position (GRCh38, 1-based): chr18:45,870,568, T>A on the plus strand (A>T on the coding strand, the complement: EPG5 is on the minus strand). VCF-style: chr18-45870568-T-A. GRCh37 (hg19) VCF-style: chr18-43450533-T-A.
Other names: c.6224A>T, p.Lys2075Ile (NM_001410858.1); c.6221A>T, p.Lys2074Ile (NM_001410859.1); short protein forms K2074I, K2075I.
Identifiers: ClinVar variation 1958729 (VCV001958729.5), dbSNP rs1439300133, ClinGen allele CA402340346.

ClinVar aggregate classification (germline): Uncertain significance (1 of 4 stars; one submission).

Conditions:
Vici syndrome (VICIS). Identifiers: Orphanet 1493, MedGen C1855772, MONDO:0009452, OMIM 242840.

gnomAD v4.1: 1 of 1,612,068 alleles (0.000062%); highest among the groups gnomAD compares: Non-Finnish European, 0.000085%; no homozygotes.

Submission:

Labcorp Genetics (formerly Invitae), Labcorp
Classification: Uncertain significance for Vici syndrome. Last evaluated: 2022-07-19. Review status: criteria provided, single submitter. Criteria: Invitae Variant Classification Sherloc (09022015). Collection method: clinical testing. Allele origin: germline.
Comment: This sequence change replaces lysine, which is basic and polar, with isoleucine, which is neutral and non-polar, at codon 2075 of the EPG5 protein (p.Lys2075Ile). This variant is present in population databases (no rsID available, gnomAD 0.0009%). This variant has not been reported in the literature in individuals affected with EPG5-related conditions. Algorithms developed to predict the effect of missense changes on protein structure and function are either unavailable or do not agree on the potential impact of this missense change (SIFT: "Deleterious"; PolyPhen-2: "Probably Damaging"; Align-GVGD: "Class C0"). In summary, the available evidence is currently insufficient to determine the role of this variant in disease. Therefore, it has been classified as a Variant of Uncertain Significance.